The following is an entry in ClinVar:

NC_000017.10:g.(41209153_41215349)_(41228632_41234420)dup

Gene: BRCA1 (BRCA1 DNA repair associated; minus strand). Cytogenetic location: 17q21.31.
Variant type: Duplication.
Identifiers: ClinVar variation 1804790 (VCV001804790.1).

ClinVar aggregate classification (germline): Likely pathogenic (1 of 4 stars; one submission).

Conditions:
Hereditary breast ovarian cancer syndrome. Also called: Hereditary breast and ovarian cancer; Breast and ovarian cancer; Hereditary breast and/or ovarian cancer syndrome; BRCA1- and BRCA2-Associated Hereditary Breast and Ovarian Cancer; Hereditary breast and ovarian cancer syndrome; Hereditary breast and ovarian cancer syndrome (HBOC). Identifiers: Orphanet 145, MedGen C0677776, MeSH D061325, MONDO:0003582. Disease mechanism: loss of function.

Submission:

Women's Health and Genetics/Laboratory Corporation of America, LabCorp
Classification: Likely pathogenic for Hereditary breast ovarian cancer syndrome. Last evaluated: 2022-11-02. Review status: criteria provided, single submitter. Criteria: LabCorp Variant Classification Summary - May 2015. Collection method: clinical testing. Allele origin: germline.
Comment: Variant summary: The variant identified by MLPA or other technology involves the duplication of exons 13-18 in the BRCA1 gene. A presumed nomenclature of c.(4357+1_4358-1)_(5193+1_5194-1)dup has been designated for the purposes of this classification. It has been assumed that this is a tandem duplication in direct orientation (Richardson_GIM_2018, Newman_AJHG_2015). Although exact breakpoints of this duplication are not known, it is expected to result in a frameshift in the BRCA1 gene, a known mechanism of disease. The variant was absent in 21670 control chromosomes (gnomAD, structural variants dataset). To our knowledge, no occurrence of c.(4357+1_4358-1)_(5193+1_5194-1)dup in individuals affected with Hereditary Breast And Ovarian Cancer Syndrome has been reported. No clinical diagnostic laboratories have submitted clinical-significance assessments for this variant to ClinVar after 2014. Based on the evidence outlined above, the variant was classified as likely pathogenic.